The following is an entry in ClinVar:

NM_020937.4(FANCM):c.4187_4195del (p.Pro1396_Tyr1398del)

Gene: FANCM (FA complementation group M; plus strand). Cytogenetic location: 14q21.2.
Variant type: Deletion.
Coding change: c.4187_4195del on transcript NM_020937.4 (MANE Select); coding-DNA positions 4187 to 4195, 9 bases deleted (CAATGTATC; older notation c.4187_4195delCAATGTATC).
Protein change: p.Pro1396_Tyr1398del.
Genome position (GRCh38, 1-based): chr14:45,176,941-45,176,949, CAATGTATC deleted; deleting any 9 consecutive bases within chr14:45,176,939-45,176,949 gives the same sequence; the c. name uses the placement nearest the transcript's 3' end. VCF-style (leftmost placement, unchanged base first): chr14-45176938-GTCCAATGTA-G. GRCh37 (hg19) VCF-style: chr14-45646141-GTCCAATGTA-G.
Other names: c.4109_4117del, p.Pro1370_Tyr1372del (NM_001308133.2).
Identifiers: ClinVar variation 3710988 (VCV003710988.2).

ClinVar aggregate classification (germline): Uncertain significance (1 of 4 stars; one submission).

Conditions:
Fanconi anemia (FA). Also called: Fanconi's anemia. Identifiers: Orphanet 84, MedGen C0015625, MeSH D005199, MONDO:0019391.

Submission:

Labcorp Genetics (formerly Invitae), Labcorp
Classification: Uncertain significance for Fanconi anemia. Last evaluated: 2024-04-04. Review status: criteria provided, single submitter. Criteria: Invitae Variant Classification Sherloc (09022015). Collection method: clinical testing. Allele origin: germline.
Comment: This variant, c.4187_4195del, results in the deletion of 3 amino acid(s) of the FANCM protein (p.Pro1396_Tyr1398del), but otherwise preserves the integrity of the reading frame. This variant is not present in population databases (gnomAD no frequency). This variant has not been reported in the literature in individuals affected with FANCM-related conditions. Experimental studies and prediction algorithms are not available or were not evaluated, and the functional significance of this variant is currently unknown. In summary, the available evidence is currently insufficient to determine the role of this variant in disease. Therefore, it has been classified as a Variant of Uncertain Significance.